The following is an entry in ClinVar:

NM_000465.4(BARD1):c.2T>C (p.Met1Thr)

Gene: BARD1 (BRCA1 associated RING domain 1; minus strand). Cytogenetic location: 2q35.
Variant type: single nucleotide variant.
Coding change: c.2T>C on transcript NM_000465.4 (MANE Select); coding-DNA position 2, T replaced by C.
Protein change: p.Met1Thr; changes the start codon (methionine 1).
Molecular consequence: missense variant, initiator codon variant. On other transcripts: non-coding transcript variant (3).
Genome position (GRCh38, 1-based): chr2:214,809,568, A>G on the plus strand (T>C on the coding strand, the complement: BARD1 is on the minus strand). VCF-style: chr2-214809568-A-G. GRCh37 (hg19) VCF-style: chr2-215674292-A-G.
Other names: c.2T>C (NM_000465.2); c.2T>C, p.Met1Thr (NM_001282543.2, NM_001282545.2, NM_001282548.2 and 1 more transcripts); short protein forms M1T.
Identifiers: ClinVar variation 460743 (VCV000460743.16), dbSNP rs1553628504, ClinGen allele CA350465532.
Genomic context (GRCh38, chr2:214,809,568, plus strand): 5'-CGAGGCTCGTTCCCGGAGCGGATCCTCGGCTGCCGGTTCCTCGGCTGCCGATTATCCGGC[A>G]TCGTCCCGCCTTCGGATGAAAGGCTCCTCGCAGAGCGGGAAGCAAGGAAGCCTCGGGAAA-3'
Protein context (NP_000456.2, residues 1-11): [Met1Thr]PDNRQPRNRQ

ClinVar aggregate classification (germline): Uncertain significance. Review status: criteria provided, multiple submitters, no conflicts (2 of 4 stars). 3 submissions from 3 submitters: Uncertain significance (3). Last evaluated 2026-01-21.

Conditions:
Hereditary cancer-predisposing syndrome. Also called: Neoplastic Syndromes, Hereditary; Tumor predisposition; Hereditary neoplastic syndrome; Hereditary Cancer Syndrome. Identifiers: Orphanet 140162, MedGen C0027672, MeSH D009386, MONDO:0015356.
Familial cancer of breast. Also called: BREAST CANCER, FAMILIAL; hereditary breast carcinoma; Hereditary breast cancer. Identifiers: Orphanet 227535, MedGen C0346153, MONDO:0016419, OMIM 114480. Disease mechanism: loss of function.

Submissions (3):

Ambry Genetics
Classification: Uncertain significance for Hereditary cancer-predisposing syndrome. Last evaluated: 2026-01-21. Review status: criteria provided, single submitter. Criteria: Ambry Variant Classification Scheme 2023. Collection method: clinical testing. Allele origin: germline.
Comment: The p.M1? variant (also known as c.2T>C) is located in coding exon 1 of the BARD1 gene and results from a T to C substitution at nucleotide position 2. This alters the methionine residue at the initiation codon (ATG). Variations that modify the initiation codon (ATG) are expected to result in either loss of translation initiation, N-terminal truncation, or cause a shift in the mRNA reading frame; however, there is an in-frame methionine 25 amino acids from the initiation site, which may result in N-terminal truncation of unknown functional significance. Based on the available evidence, the clinical significance of this variant remains unclear.

Labcorp Genetics (formerly Invitae), Labcorp
Classification: Uncertain significance for Familial cancer of breast. Last evaluated: 2019-11-22. Review status: criteria provided, single submitter. Criteria: Invitae Variant Classification Sherloc (09022015). Collection method: clinical testing. Allele origin: germline.
Comment: In summary, this variant is a novel initiatior codon change with uncertain impact on protein function. It has been classified as a Variant of Uncertain Significance. Experimental studies have not been reported for this initiation codon variant and it is currently unknown if translation is rescued by either an in-frame or out-of-frame methionine. While this variant is not present in population databases, the frequency information is unreliable, as metrics indicate poor data quality at this position in the ExAC database. This variant has not been reported in the literature in individuals with a BARD1-related disease. This sequence change affects the initiator methionine of the BARD1 mRNA. However, another in-frame methionine that is highly conserved in mammals is located 25 codons downstream (p.Met26) and could potentially rescue the loss of initiator codon.

Quest Diagnostics Nichols Institute San Juan Capistrano
Classification: Uncertain significance. Last evaluated: 2019-06-11. Review status: criteria provided, single submitter. Criteria: Quest Diagnostics criteria. Collection method: clinical testing. Allele origin: germline.

Literature cited by the submitters: PubMed 26738429 (cited by Quest Diagnostics Nichols Institute San Juan Capistrano); PubMed 24302565 (cited by Quest Diagnostics Nichols Institute San Juan Capistrano); PubMed 22927429 (cited by Quest Diagnostics Nichols Institute San Juan Capistrano).